The following is an entry in ClinVar:

NM_032578.4(MYPN):c.80G>C (p.Arg27Pro)

Gene: MYPN (myopalladin; plus strand). Cytogenetic location: 10q21.3.
Variant type: single nucleotide variant.
Coding change: c.80G>C on transcript NM_032578.4 (MANE Select); coding-DNA position 80, G replaced by C.
Protein change: p.Arg27Pro; replaces arginine 27 with proline.
Molecular consequence: missense variant. On other transcripts: 5 prime UTR variant (1), non-coding transcript variant (1).
Genome position (GRCh38, 1-based): chr10:68,121,518, G>C. VCF-style: chr10-68121518-G-C. GRCh37 (hg19) VCF-style: chr10-69881275-G-C.
Other names: c.80G>C, p.Arg27Pro (NM_001256267.2); c.-1043G>C (NM_001256268.2); c.80G>C (NM_032578.2); short protein forms R27P.
Identifiers: ClinVar variation 229040 (VCV000229040.22), dbSNP rs529359915, ClinGen allele CA5522216.

ClinVar aggregate classification (germline): Conflicting classifications of pathogenicity. Review status: criteria provided, conflicting classifications (1 of 4 stars). 6 submissions from 6 submitters: Uncertain significance (5); Likely benign (1). Last evaluated 2026-06-01.

Conditions:
Cardiovascular phenotype. Identifiers: MedGen CN230736.
Dilated cardiomyopathy 1KK (CMD1KK). Identifiers: Orphanet 154, Orphanet 75249, MedGen C3714995, MONDO:0014100, OMIM 615248.

Allele frequency attached by ClinVar (database versions not stated): gnomAD 0.00001; TOPMed 0.00004.
gnomAD v4.1: 42 of 1,614,008 alleles (0.0026%); highest among the groups gnomAD compares: Non-Finnish European, 0.0033%; no homozygotes.

Submissions (6):

CeGaT Center for Human Genetics Tuebingen
Classification: Uncertain significance. Last evaluated: 2026-06-01. Review status: criteria provided, single submitter. Criteria: CeGaT Center For Human Genetics Tuebingen Variant Classification Criteria Version 2. Collection method: clinical testing. Allele origin: germline. Affected: yes. Observed: 1 variant allele.
Comment: MYPN: PM2, BP4

Ambry Genetics
Classification: Uncertain significance for Cardiovascular phenotype. Last evaluated: 2025-10-23. Review status: criteria provided, single submitter. Criteria: Ambry Variant Classification Scheme 2023. Collection method: clinical testing. Allele origin: germline.

Blueprint Genetics
Classification: Likely benign. Last evaluated: 2023-12-01. Review status: criteria provided, single submitter. Criteria: ACMG Guidelines, 2015. Collection method: clinical testing. Allele origin: germline.

Labcorp Genetics (formerly Invitae), Labcorp
Classification: Uncertain significance for Dilated cardiomyopathy 1KK. Last evaluated: 2023-01-18. Review status: criteria provided, single submitter. Criteria: Invitae Variant Classification Sherloc (09022015). Collection method: clinical testing. Allele origin: germline.
Comment: This sequence change replaces arginine, which is basic and polar, with proline, which is neutral and non-polar, at codon 27 of the MYPN protein (p.Arg27Pro). This variant is present in population databases (rs529359915, gnomAD 0.004%). This variant has not been reported in the literature in individuals affected with MYPN-related conditions. ClinVar contains an entry for this variant (Variation ID: 229040). Algorithms developed to predict the effect of missense changes on protein structure and function (SIFT, PolyPhen-2, Align-GVGD) all suggest that this variant is likely to be tolerated. In summary, the available evidence is currently insufficient to determine the role of this variant in disease. Therefore, it has been classified as a Variant of Uncertain Significance.

Molecular Diagnostic Laboratory for Inherited Cardiovascular Disease, Montreal Heart Institute
Classification: Uncertain significance. Last evaluated: 2016-12-22. Review status: criteria provided, single submitter. Criteria: ACMG Guidelines, 2015. Collection method: clinical testing. Allele origin: germline. Affected: yes.

Laboratory for Molecular Medicine, Mass General Brigham Personalized Medicine
Classification: Uncertain significance. Last evaluated: 2015-11-23. Review status: criteria provided, single submitter. Criteria: LMM Criteria. Collection method: clinical testing. Allele origin: germline. Observed: 1 variant allele.
Comment: The p.Arg27Pro variant in MYPN has not been previously reported in individuals w ith cardiomyopathy, but has been identified in 4/66632 European chromosomes by t he Exome Aggregation Consortium (ExAC; dbSNP rs5 29359915). Arginine (Arg) at position 27 is not well conserved in mammals or evo lutionarily distant species and the star-nose mole and painted turtle carry a pr oline (Pro), raising the possibility that this change may be tolerated. Addition al computational prediction tools do not provide strong support for or against a n impact to the protein. In summary, the clinical significance of the p.Arg27Pro variant is uncertain.